The following is an entry in ClinVar:

ClinVar aggregate classification (germline): Uncertain significance. Review status: criteria provided, multiple submitters, no conflicts (2 of 4 stars). 2 submissions from 2 submitters: Uncertain significance (2). Last evaluated 2025-07-13.

Conditions:
Inborn genetic diseases. Identifiers: MedGen C0950123, MeSH D030342.

Submissions (2):

Ambry Genetics
Classification: Uncertain significance for Inborn genetic diseases. Last evaluated: 2025-07-13. Review status: criteria provided, single submitter. Criteria: Ambry Variant Classification Scheme 2023. Collection method: clinical testing. Allele origin: germline.

Labcorp Genetics (formerly Invitae), Labcorp
Classification: Uncertain significance. Last evaluated: 2024-10-13. Review status: criteria provided, single submitter. Criteria: Invitae Variant Classification Sherloc (09022015). Collection method: clinical testing. Allele origin: germline.
Comment: This sequence change replaces valine, which is neutral and non-polar, with leucine, which is neutral and non-polar, at codon 29 of the TFRC protein (p.Val29Leu). This variant is present in population databases (rs146744160, gnomAD 0.02%). This variant has not been reported in the literature in individuals affected with TFRC-related conditions. An algorithm developed to predict the effect of missense changes on protein structure and function (PolyPhen-2) suggests that this variant is likely to be tolerated. In summary, the available evidence is currently insufficient to determine the role of this variant in disease. Therefore, it has been classified as a Variant of Uncertain Significance.

NM_001128148.3(TFRC):c.85G>C (p.Val29Leu)

Gene: TFRC (transferrin receptor; minus strand). Cytogenetic location: 3q29.
Variant type: single nucleotide variant.
Coding change: c.85G>C on transcript NM_001128148.3 (MANE Select); coding-DNA position 85, G replaced by C.
Protein change: p.Val29Leu; replaces valine 29 with leucine.
Molecular consequence: missense variant. On other transcripts: intron variant (2).
Genome position (GRCh38, 1-based): chr3:196,075,312, C>G on the plus strand (G>C on the coding strand, the complement: TFRC is on the minus strand). VCF-style: chr3-196075312-C-G. GRCh37 (hg19) VCF-style: chr3-195802183-C-G.
Other names: c.85G>C, p.Val29Leu (NM_003234.4); c.-413+1752G>C (NM_001313966.2); c.-5-1187G>C (NM_001313965.2); c.85G>C (NM_003234.2); short protein forms V29L.
Identifiers: ClinVar variation 3715700 (VCV003715700.3).